The following is an entry in ClinVar:

NM_003126.4(SPTA1):c.1903A>G (p.Thr635Ala)

Gene: SPTA1 (spectrin alpha, erythrocytic 1; minus strand). Cytogenetic location: 1q23.1.
Variant type: single nucleotide variant.
Coding change: c.1903A>G on transcript NM_003126.4 (MANE Select); coding-DNA position 1903, A replaced by G.
Protein change: p.Thr635Ala; replaces threonine 635 with alanine.
Molecular consequence: missense variant.
Genome position (GRCh38, 1-based): chr1:158,667,993, T>C on the plus strand (A>G on the coding strand, the complement: SPTA1 is on the minus strand). VCF-style: chr1-158667993-T-C. GRCh37 (hg19) VCF-style: chr1-158637783-T-C.
Other names: short protein forms T635A.
Identifiers: ClinVar variation 3169460 (VCV003169460.4), dbSNP rs1036558893, ClinGen allele CA31260058.

ClinVar aggregate classification (germline): Uncertain significance. Review status: criteria provided, multiple submitters, no conflicts (2 of 4 stars). 3 submissions from 3 submitters: Uncertain significance (3). Last evaluated 2025-01-06.

Allele frequency attached by ClinVar (database versions not stated): gnomAD exomes below 0.00001; gnomAD 0.00003.
gnomAD v4.1: 5 of 1,613,368 alleles (0.00031%); highest among the groups gnomAD compares: Admixed American, 0.0083%; no homozygotes.

Submissions (3):

Labcorp Genetics (formerly Invitae), Labcorp
Classification: Uncertain significance. Last evaluated: 2025-01-06. Review status: criteria provided, single submitter. Criteria: Invitae Variant Classification Sherloc (09022015). Collection method: clinical testing. Allele origin: germline.
Comment: This sequence change replaces threonine, which is neutral and polar, with alanine, which is neutral and non-polar, at codon 635 of the SPTA1 protein (p.Thr635Ala). This variant is present in population databases (no rsID available, gnomAD no frequency). This variant has not been reported in the literature in individuals affected with SPTA1-related conditions. ClinVar contains an entry for this variant (Variation ID: 3169460). Invitae Evidence Modeling of protein sequence and biophysical properties (such as structural, functional, and spatial information, amino acid conservation, physicochemical variation, residue mobility, and thermodynamic stability) indicates that this missense variant is not expected to disrupt SPTA1 protein function with a negative predictive value of 80%. In summary, the available evidence is currently insufficient to determine the role of this variant in disease. Therefore, it has been classified as a Variant of Uncertain Significance.

ARUP Laboratories, Molecular Genetics and Genomics, ARUP Laboratories
Classification: Uncertain significance. Last evaluated: 2024-10-24. Review status: criteria provided, single submitter. Criteria: ARUP Molecular Germline Variant Investigation Process 2024. Collection method: clinical testing. Allele origin: germline.
Comment: The SPTA1 c.1903A>G; p.Thr635Ala variant (rs1036558893), to our knowledge, is not reported in the medical literature but is reported in ClinVar (Variation ID: 3169460). This variant is only observed on one allele in the Genome Aggregation Database (v2.1.1), indicating it is not a common polymorphism. Computational analyses predict that this variant is neutral (REVEL: 0.113). However, given the lack of clinical and functional data, the significance of this variant is uncertain at this time.

Ambry Genetics
Classification: Uncertain significance. Last evaluated: 2023-12-09. Review status: criteria provided, single submitter. Criteria: Ambry Variant Classification Scheme 2023. Collection method: clinical testing. Allele origin: germline.